The following is an entry in ClinVar:

ClinVar aggregate classification (germline): Uncertain significance (1 of 4 stars; one submission).

Submission:

Women's Health and Genetics/Laboratory Corporation of America, LabCorp
Classification: Uncertain significance. Last evaluated: 2026-01-30. Review status: criteria provided, single submitter. Criteria: LabCorp Variant Classification Summary - May 2015. Collection method: clinical testing. Allele origin: germline.
Comment: Variant summary: CC2D2A c.1149G>T (p.Lys383Asn) results in a non-conservative amino acid change in the encoded protein sequence, near a canonical splice site. Algorithms developed to predict the effect of missense changes on protein structure and function are either unavailable or do not agree on the potential impact of this missense change. Several computational tools predict a significant impact on normal splicing: four predict the variant abolishes a 5' splicing donor site. However, these predictions have yet to be confirmed by functional studies. The variant was absent in 243020 control chromosomes (gnomAD). The available data on variant occurrences in the general population are insufficient to allow any conclusion about variant significance. To our knowledge, no occurrence of c.1149G>T in individuals affected with CC2D2A-related conditions and no experimental evidence demonstrating its impact on protein function have been reported. No submitters have cited clinical-significance assessments for this variant to ClinVar. Based on the evidence outlined above, the variant was classified as uncertain significance.

NM_001378615.1(CC2D2A):c.1149G>T (p.Lys383Asn)

Genes: CC2D2A (coiled-coil and C2 domain containing 2A; plus strand), FBXL5 (F-box and leucine rich repeat protein 5; minus strand). Cytogenetic location: 4p15.32.
Variant type: single nucleotide variant.
Coding change: c.1149G>T on transcript NM_001378615.1 (MANE Select); coding-DNA position 1149, G replaced by T.
Protein change: p.Lys383Asn; replaces lysine 383 with asparagine.
Molecular consequence: missense variant.
Genome position (GRCh38, 1-based): chr4:15,516,756, G>T. VCF-style: chr4-15516756-G-T. GRCh37 (hg19) VCF-style: chr4-15518379-G-T.
Other names: c.1149G>T, p.Lys383Asn (NM_001080522.2); c.1002G>T, p.Lys334Asn (NM_001378617.1); short protein forms K334N, K383N.
Identifiers: ClinVar variation 4689504 (VCV004689504.1).
Genomic context (GRCh38, chr4:15,516,756, plus strand): 5'-GCCGCCAGTACTAACACAGGAGCAGAGCATTAAGGCAGAGCTTGAAACACTGTATAAAAA[G>T]GTAGACACTCCCCTCTCTCCACTTTTATTAAATGAAATTGAAAGTGCTTTGCTTTCTGAA-3'
Protein context (NP_001365544.1, residues 373-393): IKAELETLYK[Lys383Asn]AVKYVHSSQH